The following is an entry in ClinVar:

ClinVar aggregate classification (germline): Likely benign (1 of 4 stars; one submission).

Submission:

CeGaT Center for Human Genetics Tuebingen
Classification: Likely benign. Last evaluated: 2026-06-01. Review status: criteria provided, single submitter. Criteria: CeGaT Center For Human Genetics Tuebingen Variant Classification Criteria Version 2. Collection method: clinical testing. Allele origin: germline. Affected: yes. Observed: 2 variant alleles.
Comment: U2AF2: PM2:Supporting, BP4, BP7

NM_007279.3(U2AF2):c.366C>T (p.Leu122=)

Gene: U2AF2 (U2 small nuclear RNA auxiliary factor 2; plus strand). Cytogenetic location: 19q13.42.
Variant type: single nucleotide variant.
Coding change: c.366C>T on transcript NM_007279.3 (MANE Select); coding-DNA position 366, C replaced by T.
Protein change: p.Leu122=; no amino-acid change (leucine 122 retained).
Molecular consequence: synonymous variant.
Genome position (GRCh38, 1-based): chr19:55,661,069, C>T. VCF-style: chr19-55661069-C-T. GRCh37 (hg19) VCF-style: chr19-56172435-C-T.
Other names: c.366C>T, p.Leu122= (NM_001012478.2).
Identifiers: ClinVar variation 4534661 (VCV004534661.6).
Genomic context (GRCh38, chr19:55,661,069, plus strand): 5'-GTTTTATCCGGCTTTTATTCCCTTTGAAGCTGCGGGTCAGATTCCAGCCACTGCTCTTCT[C>T]CCCACCATGACCCCTGACGGTCTGGCTGTGACCCCAACGCCGGTGCCCGTGGTCGGGAGC-3'
Protein context (NP_009210.1, residues 112-132): AAGQIPATAL[Leu122=]PTMTPDGLAV